The following is an entry in ClinVar:

ClinVar aggregate classification (germline): Uncertain significance (1 of 4 stars; one submission).

gnomAD v4.1: 1 of 1,612,468 alleles (0.000062%); highest among the groups gnomAD compares: Non-Finnish European, 0.000085%; no homozygotes.

Submission:

Mayo Clinic Laboratories, Mayo Clinic
Classification: Uncertain significance. Last evaluated: 2024-06-10. Review status: criteria provided, single submitter. Criteria: ACMG Guidelines, 2015. Collection method: clinical testing. Allele origin: germline. Observed: 1 variant allele.
Comment: BP4, PM2

NM_001267550.2(TTN):c.81197T>C (p.Val27066Ala)

Genes: TTN (titin; minus strand), TTN-AS1 (TTN antisense RNA 1; plus strand). Cytogenetic location: 2q31.2.
Variant type: single nucleotide variant.
Coding change: c.81197T>C on transcript NM_001267550.2 (MANE Select); coding-DNA position 81197, T replaced by C.
Protein change: p.Val27066Ala; replaces valine 27066 with alanine.
Molecular consequence: missense variant.
Genome position (GRCh38, 1-based): chr2:178,564,935, A>G on the plus strand (T>C on the coding strand, the complement: TTN is on the minus strand). VCF-style: chr2-178564935-A-G. GRCh37 (hg19) VCF-style: chr2-179429662-A-G.
Other names: p.Val25425Ala; c.76274T>C, p.Val25425Ala (NM_001256850.1); c.54002T>C, p.Val18001Ala (NM_003319.4); c.73493T>C, p.Val24498Ala (NM_133378.4); c.54377T>C, p.Val18126Ala (NM_133432.3); c.54578T>C, p.Val18193Ala (NM_133437.4); short protein forms V18001A, V18126A, V18193A, V24498A, V25425A, V27066A.
Identifiers: ClinVar variation 3380871 (VCV003380871.1).